The following is an entry in ClinVar:

ClinVar aggregate classification (germline): Uncertain significance. Review status: criteria provided, multiple submitters, no conflicts (2 of 4 stars). 2 submissions from 2 submitters: Uncertain significance (2). Last evaluated 2024-11-18.

Conditions:
Inborn genetic diseases. Identifiers: MedGen C0950123, MeSH D030342.
Brachyolmia-amelogenesis imperfecta syndrome. Also called: Tooth agenesis, selective, 6; Dental anomalies and short stature; PLATYSPONDYLY WITH AMELOGENESIS IMPERFECTA. Identifiers: Orphanet 2899, MedGen C1832594, MONDO:0011018, OMIM 601216. Disease mechanism: loss of function.

Submissions (2):

Ambry Genetics
Classification: Uncertain significance for Inborn genetic diseases. Last evaluated: 2024-11-18. Review status: criteria provided, single submitter. Criteria: Ambry Variant Classification Scheme 2023. Collection method: clinical testing. Allele origin: germline.
Comment: The p.G433S variant (also known as c.1297G>A), located in coding exon 7 of the LTBP3 gene, results from a G to A substitution at nucleotide position 1297. The glycine at codon 433 is replaced by serine, an amino acid with similar properties. This amino acid position is conserved. In addition, this alteration is predicted to be deleterious by in silico analysis. Based on the available evidence, the clinical significance of this variant remains unclear.

Labcorp Genetics (formerly Invitae), Labcorp
Classification: Uncertain significance for Brachyolmia-amelogenesis imperfecta syndrome. Last evaluated: 2024-08-05. Review status: criteria provided, single submitter. Criteria: Invitae Variant Classification Sherloc (09022015). Collection method: clinical testing. Allele origin: germline.
Comment: This sequence change replaces glycine, which is neutral and non-polar, with serine, which is neutral and polar, at codon 433 of the LTBP3 protein (p.Gly433Ser). This variant is present in population databases (no rsID available, gnomAD 0.003%). This variant has not been reported in the literature in individuals affected with LTBP3-related conditions. An algorithm developed to predict the effect of missense changes on protein structure and function (PolyPhen-2) suggests that this variant is likely to be disruptive. In summary, the available evidence is currently insufficient to determine the role of this variant in disease. Therefore, it has been classified as a Variant of Uncertain Significance.

NM_001130144.3(LTBP3):c.1297G>A (p.Gly433Ser)

Gene: LTBP3 (latent transforming growth factor beta binding protein 3; minus strand). Cytogenetic location: 11q13.1.
Variant type: single nucleotide variant.
Coding change: c.1297G>A on transcript NM_001130144.3 (MANE Select); coding-DNA position 1297, G replaced by A.
Protein change: p.Gly433Ser; replaces glycine 433 with serine.
Molecular consequence: missense variant.
Genome position (GRCh38, 1-based): chr11:65,552,296, C>T on the plus strand (G>A on the coding strand, the complement: LTBP3 is on the minus strand). VCF-style: chr11-65552296-C-T. GRCh37 (hg19) VCF-style: chr11-65319767-C-T.
Other names: c.946G>A, p.Gly316Ser (NM_001164266.1); c.1297G>A, p.Gly433Ser (NM_021070.4); short protein forms G316S, G433S.
Identifiers: ClinVar variation 3541125 (VCV003541125.3).